The following is an entry in ClinVar:

NM_000531.6(OTC):c.617T>A (p.Met206Lys)

Gene: OTC (ornithine transcarbamylase; plus strand). Cytogenetic location: Xp11.4.
Variant type: single nucleotide variant.
Coding change: c.617T>A on transcript NM_000531.6 (MANE Select); coding-DNA position 617, T replaced by A.
Protein change: p.Met206Lys; replaces methionine 206 with lysine.
Molecular consequence: missense variant.
Genome position (GRCh38, 1-based): chrX:38,403,694, T>A. VCF-style: chrX-38403694-T-A. GRCh37 (hg19) VCF-style: chrX-38262947-T-A.
Other names: short protein forms M206K.
Identifiers: ClinVar variation 968929 (VCV000968929.13), dbSNP rs72558412, ClinGen allele CA412725677.
Genomic context (GRCh38, chrX:38,403,694, plus strand): 5'-TGAAAGGTCTTACCCTCAGCTGGATCGGGGATGGGAACAATATCCTGCACTCCATCATGA[T>A]GAGCGCAGCGAAATTCGGAATGCACCTTCAGGCAGCTACTCCAAAGGTAGGGAAACTTTT-3'
Protein context (NP_000522.3, residues 196-216): DGNNILHSIM[Met206Lys]SAAKFGMHLQ

ClinVar aggregate classification (germline): Likely pathogenic. Review status: criteria provided, multiple submitters, no conflicts (2 of 4 stars). 2 submissions from 2 submitters: Likely pathogenic (2). Last evaluated 2020-09-10.

Conditions:
Ornithine carbamoyltransferase deficiency (OTCD). Also called: Ornithine Carbamoyltransferase Deficiency Disease; OTC DEFICIENCY; ORNITHINE TRANSCARBAMYLASE DEFICIENCY; ORNITHINE TRANSCARBAMYLASE DEFICIENCY, HYPERAMMONEMIA DUE TO. Identifiers: Orphanet 664, MedGen C0268542, MONDO:0010703, OMIM 311250.

Submissions (2):

GeneDx
Classification: Likely pathogenic. Last evaluated: 2020-09-10. Review status: criteria provided, single submitter. Criteria: GeneDx Variant Classification Process June 2021. Collection method: clinical testing. Allele origin: germline. Affected: yes.
Comment: Has not been previously published as pathogenic or benign to our knowledge; Not observed in large population cohorts (Lek et al., 2016); In silico analysis, which includes protein predictors and evolutionary conservation, supports a deleterious effect

Labcorp Genetics (formerly Invitae), Labcorp
Classification: Likely pathogenic for Ornithine carbamoyltransferase deficiency. Last evaluated: 2019-11-15. Review status: criteria provided, single submitter. Criteria: Invitae Variant Classification Sherloc (09022015). Collection method: clinical testing. Allele origin: germline.
Comment: This sequence change replaces methionine with lysine at codon 206 of the OTC protein (p.Met206Lys). The methionine residue is moderately conserved and there is a moderate physicochemical difference between methionine and lysine. This variant is not present in population databases (ExAC no frequency). This variant has been observed in individual(s) with OTC deficiency (Invitae). Algorithms developed to predict the effect of missense changes on protein structure and function are either unavailable or do not agree on the potential impact of this missense change (SIFT: "Deleterious"; PolyPhen-2: "Probably Damaging"; Align-GVGD: "Class C0"). Algorithms developed to predict the effect of sequence changes on RNA splicing suggest that this variant may create or strengthen a splice site, but this prediction has not been confirmed by published transcriptional studies. This variant disrupts the p.Met206 amino acid residue in OTC. Other variant(s) that disrupt this residue have been observed in individuals with OTC-related conditions (PMID: 11793483, 10405441), which suggests that this may be a clinically significant amino acid residue. In summary, the currently available evidence indicates that the variant is pathogenic, but additional data are needed to prove that conclusively. Therefore, this variant has been classified as Likely Pathogenic.

Literature cited by the submitters: PubMed 11793483 (cited by Labcorp Genetics (formerly Invitae), Labcorp); PubMed 10405441 (cited by Labcorp Genetics (formerly Invitae), Labcorp).